The following is an entry in ClinVar:

NM_004483.5(GCSH):c.73C>T (p.Pro25Ser)

Genes: GCSH (glycine cleavage system protein H; minus strand), LOC130059495 (ATAC-STARR-seq lymphoblastoid silent region 7751; plus strand). Cytogenetic location: 16q23.2.
Variant type: single nucleotide variant.
Coding change: c.73C>T on transcript NM_004483.5 (MANE Select); coding-DNA position 73, C replaced by T.
Protein change: p.Pro25Ser; replaces proline 25 with serine.
Molecular consequence: missense variant. On other transcripts: non-coding transcript variant (1).
Genome position (GRCh38, 1-based): chr16:81,096,206, G>A on the plus strand (C>T on the coding strand, the complement: GCSH is on the minus strand). VCF-style: chr16-81096206-G-A. GRCh37 (hg19) VCF-style: chr16-81129811-G-A.
Other names: c.73C>T (NM_004483.4); short protein forms P25S.
Identifiers: ClinVar variation 1045554 (VCV001045554.16), dbSNP rs533447730, ClinGen allele CA284249658.

ClinVar aggregate classification (germline): Uncertain significance. Review status: criteria provided, multiple submitters, no conflicts (2 of 4 stars). 2 submissions from 2 submitters: Uncertain significance (2). Last evaluated 2023-08-08.

Conditions:
Glycine encephalopathy. Also called: Nonketotic hyperglycinemia; Non-ketotic hyperglycinemia. Identifiers: Orphanet 407, MedGen C0751748, MONDO:0011612, HP:0008288.
Inborn genetic diseases. Identifiers: MedGen C0950123, MeSH D030342.

Allele frequency attached by ClinVar (database versions not stated): gnomAD 0.00002 and 0.00008; gnomAD exomes 0.00003; 1000 Genomes Project 30x 0.00016; 1000 Genomes Project 0.00020.
gnomAD v4.1: 51 of 1,318,758 alleles (0.0039%); highest among the groups gnomAD compares: South Asian, 0.097%; no homozygotes.

Submissions (2):

Ambry Genetics
Classification: Uncertain significance for Inborn genetic diseases. Last evaluated: 2023-08-08. Review status: criteria provided, single submitter. Criteria: Ambry Variant Classification Scheme 2023. Collection method: clinical testing. Allele origin: germline.

Labcorp Genetics (formerly Invitae), Labcorp
Classification: Uncertain significance for Glycine encephalopathy. Last evaluated: 2022-07-05. Review status: criteria provided, single submitter. Criteria: Invitae Variant Classification Sherloc (09022015). Collection method: clinical testing. Allele origin: germline.
Comment: Algorithms developed to predict the effect of missense changes on protein structure and function output the following: SIFT: "Tolerated"; PolyPhen-2: "Benign"; Align-GVGD: "Class C0". The serine amino acid residue is found in multiple mammalian species, which suggests that this missense change does not adversely affect protein function. ClinVar contains an entry for this variant (Variation ID: 1045554). This variant has not been reported in the literature in individuals affected with GCSH-related conditions. This variant is not present in population databases (gnomAD no frequency). This sequence change replaces proline, which is neutral and non-polar, with serine, which is neutral and polar, at codon 25 of the GCSH protein (p.Pro25Ser). In summary, the available evidence is currently insufficient to determine the role of this variant in disease. Therefore, it has been classified as a Variant of Uncertain Significance.